The following is an entry in ClinVar:

ClinVar aggregate classification (germline): Uncertain significance (1 of 4 stars; one submission).

Conditions:
Cowden syndrome 6 (CWS6). Identifiers: Orphanet 201, MedGen C3554519, MONDO:0014048, OMIM 615109.

Allele frequency attached by ClinVar (database versions not stated): gnomAD 0.00001; gnomAD exomes 0.00001; TOPMed 0.00001; ExAC 0.00002; 1000 Genomes Project 30x 0.00016; 1000 Genomes Project 0.00020.
gnomAD v4.1: 12 of 1,613,314 alleles (0.00074%); highest among the groups gnomAD compares: Non-Finnish European, 0.00093%; no homozygotes.

Submission:

Labcorp Genetics (formerly Invitae), Labcorp
Classification: Uncertain significance for Cowden syndrome 6. Last evaluated: 2025-02-06. Review status: criteria provided, single submitter. Criteria: Invitae Variant Classification Sherloc (09022015). Collection method: clinical testing. Allele origin: germline.
Comment: This sequence change replaces arginine, which is basic and polar, with glutamine, which is neutral and polar, at codon 69 of the AKT1 protein (p.Arg69Gln). This variant is present in population databases (rs183989506, gnomAD 0.01%). This variant has not been reported in the literature in individuals affected with AKT1-related conditions. ClinVar contains an entry for this variant (Variation ID: 473855). An algorithm developed to predict the effect of missense changes on protein structure and function (PolyPhen-2) suggests that this variant is likely to be tolerated. In summary, the available evidence is currently insufficient to determine the role of this variant in disease. Therefore, it has been classified as a Variant of Uncertain Significance.

NM_001382430.1(AKT1):c.206G>A (p.Arg69Gln)

Gene: AKT1 (AKT serine/threonine kinase 1; minus strand). Cytogenetic location: 14q32.33.
Variant type: single nucleotide variant.
Coding change: c.206G>A on transcript NM_001382430.1 (MANE Select); coding-DNA position 206, G replaced by A.
Protein change: p.Arg69Gln; replaces arginine 69 with glutamine.
Molecular consequence: missense variant.
Genome position (GRCh38, 1-based): chr14:104,776,740, C>T on the plus strand (G>A on the coding strand, the complement: AKT1 is on the minus strand). VCF-style: chr14-104776740-C-T. GRCh37 (hg19) VCF-style: chr14-105243077-C-T.
Other names: c.206G>A, p.Arg69Gln (NM_001014431.2, NM_001014432.2, NM_001382431.1 and 3 more transcripts); short protein forms R69Q.
Identifiers: ClinVar variation 473855 (VCV000473855.8), dbSNP rs183989506, ClinGen allele CA7374855.